The following is an entry in ClinVar:

ClinVar aggregate classification (germline): Uncertain significance (1 of 4 stars; one submission).

Submission:

Labcorp Genetics (formerly Invitae), Labcorp
Classification: Uncertain significance. Last evaluated: 2025-11-03. Review status: criteria provided, single submitter. Criteria: Invitae Variant Classification Sherloc (09022015). Collection method: clinical testing. Allele origin: germline.
Comment: This sequence change replaces isoleucine, which is neutral and non-polar, with threonine, which is neutral and polar, at codon 76 of the NDUFB10 protein (p.Ile76Thr). This variant is not present in population databases (gnomAD no frequency). This variant has not been reported in the literature in individuals affected with NDUFB10-related conditions. ClinVar contains an entry for this variant (Variation ID: 2133224). An algorithm developed to predict the effect of missense changes on protein structure and function (PolyPhen-2) suggests that this variant is likely to be tolerated. In summary, the available evidence is currently insufficient to determine the role of this variant in disease. Therefore, it has been classified as a Variant of Uncertain Significance.

NM_004548.3(NDUFB10):c.227T>C (p.Ile76Thr)

Gene: NDUFB10 (NADH:ubiquinone oxidoreductase subunit B10; plus strand). Cytogenetic location: 16p13.3.
Variant type: single nucleotide variant.
Coding change: c.227T>C on transcript NM_004548.3 (MANE Select); coding-DNA position 227, T replaced by C.
Protein change: p.Ile76Thr; replaces isoleucine 76 with threonine.
Molecular consequence: missense variant.
Genome position (GRCh38, 1-based): chr16:1,961,249, T>C. VCF-style: chr16-1961249-T-C. GRCh37 (hg19) VCF-style: chr16-2011250-T-C.
Other names: short protein forms I76T.
Identifiers: ClinVar variation 2133224 (VCV002133224.4), dbSNP rs2548244164, ClinGen allele CA394264454.